The following is an entry in ClinVar:

NM_030665.4(RAI1):c.5208T>G (p.Leu1736=)

Gene: RAI1 (retinoic acid induced 1; plus strand). Cytogenetic location: 17p11.2.
Variant type: single nucleotide variant.
Coding change: c.5208T>G on transcript NM_030665.4 (MANE Select); coding-DNA position 5208, T replaced by G.
Protein change: p.Leu1736=; no amino-acid change (leucine 1736 retained).
Molecular consequence: synonymous variant.
Genome position (GRCh38, 1-based): chr17:17,798,156, T>G. VCF-style: chr17-17798156-T-G. GRCh37 (hg19) VCF-style: chr17-17701470-T-G.
Identifiers: ClinVar variation 3351419 (VCV003351419.1).
Genomic context (GRCh38, chr17:17,798,156, plus strand): 5'-GCCAAAACTCAAGGAGAAGGTGCGGCCAGAAGGCACCTGTGAGGAGGCCTCGCTGCCGCT[T>G]GAGAGAACACTCAAAGGTCCCGAGTGTGCAGCTGCCGCCACTGCCGGGAAGCCCCCCAGG-3'
Protein context (NP_109590.3, residues 1726-1746): EGTCEEASLP[Leu1736=]ERTLKGPECA

ClinVar aggregate classification (germline): Likely benign (0 of 4 stars; one submission).

Conditions:
RAI1-related disorder. Also called: RAI1-related condition.

Submission:

PreventionGenetics, part of Exact Sciences
Classification: Likely benign for RAI1-related condition. Last evaluated: 2020-12-04. Review status: no assertion criteria provided. Collection method: clinical testing. Allele origin: germline.
Comment: This variant is classified as likely benign based on ACMG/AMP sequence variant interpretation guidelines (Richards et al. 2015 PMID: 25741868, with internal and published modifications).